The following is an entry in ClinVar:

NM_017780.4(CHD7):c.1886T>C (p.Leu629Pro)

Genes: CHD7 (chromodomain helicase DNA binding protein 7; plus strand), LOC126860403 (CDK7 strongly-dependent group 2 enhancer GRCh37_chr8:61693034-61694233; plus strand). Cytogenetic location: 8q12.2.
Variant type: single nucleotide variant.
Coding change: c.1886T>C on transcript NM_017780.4 (MANE Select); coding-DNA position 1886, T replaced by C.
Protein change: p.Leu629Pro; replaces leucine 629 with proline.
Molecular consequence: missense variant. On other transcripts: intron variant (1).
Genome position (GRCh38, 1-based): chr8:60,781,220, T>C. VCF-style: chr8-60781220-T-C. GRCh37 (hg19) VCF-style: chr8-61693779-T-C.
Other names: c.1716+170T>C (NM_001316690.1); short protein forms L629P.
Identifiers: ClinVar variation 2734662 (VCV002734662.3), dbSNP rs2487538737, ClinGen allele CA371312762.

ClinVar aggregate classification (germline): Uncertain significance (1 of 4 stars; one submission).

Conditions:
CHARGE syndrome (CHARGE). Also called: Hittner Hirsch Kreh syndrome; CHARGE ASSOCIATION--COLOBOMA, HEART ANOMALY, CHOANAL ATRESIA, RETARDATION, GENITAL AND EAR ANOMALIES; Coloboma, heart anomaly, choanal atresia, retardation, genital and ear anomalies; CHARGE association; Hall-Hittner syndrome. Identifiers: Orphanet 138, MedGen C0265354, MONDO:0008965.

Submission:

Labcorp Genetics (formerly Invitae), Labcorp
Classification: Uncertain significance for CHARGE syndrome. Last evaluated: 2022-12-14. Review status: criteria provided, single submitter. Criteria: Invitae Variant Classification Sherloc (09022015). Collection method: clinical testing. Allele origin: germline.
Comment: This sequence change replaces leucine, which is neutral and non-polar, with proline, which is neutral and non-polar, at codon 629 of the CHD7 protein (p.Leu629Pro). This variant is not present in population databases (gnomAD no frequency). This variant has not been reported in the literature in individuals affected with CHD7-related conditions. Advanced modeling of protein sequence and biophysical properties (such as structural, functional, and spatial information, amino acid conservation, physicochemical variation, residue mobility, and thermodynamic stability) performed at Invitae indicates that this missense variant is not expected to disrupt CHD7 protein function. In summary, the available evidence is currently insufficient to determine the role of this variant in disease. Therefore, it has been classified as a Variant of Uncertain Significance.